The following is an entry in ClinVar:

NM_002972.4(SBF1):c.5627T>C (p.Val1876Ala)

Gene: SBF1 (SET binding factor 1; minus strand). Cytogenetic location: 22q13.33.
Variant type: single nucleotide variant.
Coding change: c.5627T>C on transcript NM_002972.4 (MANE Select); coding-DNA position 5627, T replaced by C.
Protein change: p.Val1876Ala; replaces valine 1876 with alanine.
Molecular consequence: missense variant.
Genome position (GRCh38, 1-based): chr22:50,447,197, A>G on the plus strand (T>C on the coding strand, the complement: SBF1 is on the minus strand). VCF-style: chr22-50447197-A-G. GRCh37 (hg19) VCF-style: chr22-50885626-A-G.
Other names: c.5552T>C, p.Val1851Ala (NM_001365819.1); c.5630T>C, p.Val1877Ala (NM_001410794.1); c.5549T>C, p.Val1850Ala (NM_001410795.1); c.5627T>C, p.Val1876Ala (NM_197971.1); short protein forms V1851A, V1877A, V1876A, V1850A.
Identifiers: ClinVar variation 1981173 (VCV001981173.2), dbSNP rs572361107, ClinGen allele CA325524133.

ClinVar aggregate classification (germline): Uncertain significance (1 of 4 stars; one submission).

Allele frequency attached by ClinVar (database versions not stated): TOPMed below 0.00001; gnomAD 0.00001; gnomAD exomes 0.00001.
gnomAD v4.1: 11 of 1,613,644 alleles (0.00068%); highest among the groups gnomAD compares: Non-Finnish European, 0.00093%; no homozygotes.

Submission:

Labcorp Genetics (formerly Invitae), Labcorp
Classification: Uncertain significance. Last evaluated: 2022-04-08. Review status: criteria provided, single submitter. Criteria: Invitae Variant Classification Sherloc (09022015). Collection method: clinical testing. Allele origin: germline.
Comment: This sequence change replaces valine, which is neutral and non-polar, with alanine, which is neutral and non-polar, at codon 1876 of the SBF1 protein (p.Val1876Ala). This variant is present in population databases (rs572361107, gnomAD 0.0009%). In summary, the available evidence is currently insufficient to determine the role of this variant in disease. Therefore, it has been classified as a Variant of Uncertain Significance. Algorithms developed to predict the effect of missense changes on protein structure and function (SIFT, PolyPhen-2, Align-GVGD) all suggest that this variant is likely to be tolerated. This variant has not been reported in the literature in individuals affected with SBF1-related conditions.